The following is an entry in ClinVar:

NM_002617.4(PEX10):c.506_507del (p.Gln169fs)

Gene: PEX10 (peroxisomal biogenesis factor 10; minus strand). Cytogenetic location: 1p36.32.
Variant type: Deletion.
Coding change: c.506_507del on transcript NM_002617.4 (MANE Select); coding-DNA positions 506 to 507, 2 bases deleted (AG; older notation c.506_507delAG).
Protein change: p.Gln169fs; shifts the reading frame from glutamine 169.
Molecular consequence: frameshift variant. On other transcripts: non-coding transcript variant (1).
Genome position (GRCh38, 1-based): chr1:2,408,545-2,408,546, CT deleted on the plus strand (AG on the coding strand, the reverse complement: PEX10 is on the minus strand). VCF-style (leftmost placement, unchanged base first): chr1-2408544-CCT-C. GRCh37 (hg19) VCF-style: chr1-2339983-CCT-C.
Other names: c.506_507del, p.Gln169fs (NM_001374425.1, NM_153818.2); c.74_75del, p.Gln25fs (NM_001374426.1, NM_001374427.1); short protein forms Q169fs, Q25fs.
Identifiers: ClinVar variation 1071642 (VCV001071642.5), dbSNP rs1643083325, ClinGen allele CA1149571814.

ClinVar aggregate classification (germline): Pathogenic (1 of 4 stars; one submission).

Conditions:
Peroxisome biogenesis disorder, complementation group 7 (CG7). Also called: Peroxisome biogenesis disorder, complementation group B. Identifiers: MedGen C1864399.

Allele frequency attached by ClinVar (database versions not stated): TOPMed below 0.00001.

Submission:

Labcorp Genetics (formerly Invitae), Labcorp
Classification: Pathogenic for Peroxisome biogenesis disorder, complementation group 7. Last evaluated: 2020-10-19. Review status: criteria provided, single submitter. Criteria: Invitae Variant Classification Sherloc (09022015). Collection method: clinical testing. Allele origin: germline.
Comment: This variant is not present in population databases (ExAC no frequency). This variant has not been reported in the literature in individuals with PEX10-related conditions. Loss-of-function variants in PEX10 are known to be pathogenic (PMID: 9683594, 10862081, 21031596). For these reasons, this variant has been classified as Pathogenic. This sequence change creates a premature translational stop signal (p.Gln169Argfs*67) in the PEX10 gene. It is expected to result in an absent or disrupted protein product.

Literature cited by the submitters: PubMed 9683594; PubMed 10862081; PubMed 21031596.